The following is an entry in ClinVar:

ClinVar aggregate classification (germline): Likely benign. Review status: criteria provided, multiple submitters, no conflicts (2 of 4 stars). 2 submissions from 2 submitters: Likely benign (2). Last evaluated 2026-02-04.

Conditions:
Nemaline myopathy 2 (NEM2). Also called: Nemaline myopathy 2, autosomal recessive. Identifiers: MedGen C1850569, MONDO:0009725, OMIM 256030.
Arthrogryposis multiplex congenita 6. Identifiers: MedGen C5543431, MONDO:0030281, OMIM 619334.

Allele frequency attached by ClinVar (database versions not stated): gnomAD exomes 0.00004 and 0.00020; gnomAD 0.00009 and 0.00013; TOPMed 0.00020; ExAC 0.00042; 1000 Genomes Project 0.00100; 1000 Genomes Project 30x 0.00109.
gnomAD v4.1: 86 of 1,584,352 alleles (0.0054%); highest among the groups gnomAD compares: East Asian, 0.14%; 1 homozygote.

Submissions (2):

Labcorp Genetics (formerly Invitae), Labcorp
Classification: Likely benign for Nemaline myopathy 2. Last evaluated: 2026-02-04. Review status: criteria provided, single submitter. Criteria: Invitae Variant Classification Sherloc (09022015). Collection method: clinical testing. Allele origin: germline.

Juno Genomics, Hangzhou Juno Genomics, Inc
Classification: Likely benign for Nemaline myopathy 2; Arthrogryposis multiplex congenita 6. Review status: criteria provided, single submitter. Criteria: ACMG Guidelines, 2015. Collection method: clinical testing. Allele origin: germline.
Comment: Absent from controls (or at extremely low frequency if recessive) in Genome Aggregation Database.;Observed in a healthy adult individual for a recessive/dominant/X-linked disorder with full penetrance.

NM_001164508.2(NEB):c.4607G>A (p.Ser1536Asn)

Gene: NEB (nebulin; minus strand). Cytogenetic location: 2q23.3.
Variant type: single nucleotide variant.
Coding change: c.4607G>A on transcript NM_001164508.2 (MANE Select); coding-DNA position 4607, G replaced by A.
Protein change: p.Ser1536Asn; replaces serine 1536 with asparagine.
Molecular consequence: missense variant.
Genome position (GRCh38, 1-based): chr2:151,669,031, C>T on the plus strand (G>A on the coding strand, the complement: NEB is on the minus strand). VCF-style: chr2-151669031-C-T. GRCh37 (hg19) VCF-style: chr2-152525545-C-T.
Other names: c.4607G>A, p.Ser1536Asn (NM_001164507.2, NM_001271208.2, NM_004543.5); short protein forms S1536N.
Identifiers: ClinVar variation 706719 (VCV000706719.13), dbSNP rs182143534, ClinGen allele CA1910581.